The following is an entry in ClinVar:

NM_007327.4(GRIN1):c.2443G>C (p.Gly815Arg)

Gene: GRIN1 (glutamate ionotropic receptor NMDA type subunit 1; plus strand). Cytogenetic location: 9q34.3.
Variant type: single nucleotide variant.
Coding change: c.2443G>C on transcript NM_007327.4 (MANE Select); coding-DNA position 2443, G replaced by C.
Protein change: p.Gly815Arg; replaces glycine 815 with arginine.
Molecular consequence: missense variant.
Genome position (GRCh38, 1-based): chr9:137,163,668, G>C. VCF-style: chr9-137163668-G-C. GRCh37 (hg19) VCF-style: chr9-140058120-G-C.
Other names: c.2506G>C, p.Gly836Arg (NM_001185091.2, NM_001185090.2); c.2443G>C, p.Gly815Arg (NM_021569.4, NM_000832.7); short protein forms G815R, G836R.
Identifiers: ClinVar variation 1452432 (VCV001452432.6), dbSNP rs797044925, ClinGen allele CA375726017.

ClinVar aggregate classification (germline): Pathogenic (1 of 4 stars; one submission).

Conditions:
Neurodevelopmental disorder with or without hyperkinetic movements and seizures, autosomal dominant. Also called: Intellectual disability, autosomal dominant 8. Identifiers: MedGen C3280282, MONDO:0013655, OMIM 614254.

Submission:

Labcorp Genetics (formerly Invitae), Labcorp
Classification: Pathogenic for Neurodevelopmental disorder with or without hyperkinetic movements and seizures, autosomal dominant. Last evaluated: 2021-11-04. Review status: criteria provided, single submitter. Criteria: Invitae Variant Classification Sherloc (09022015). Collection method: clinical testing. Allele origin: germline.
Comment: This sequence change replaces glycine, which is neutral and non-polar, with arginine, which is basic and polar, at codon 815 of the GRIN1 protein (p.Gly815Arg). This variant also falls at the last nucleotide of exon 17, which is part of the consensus splice site for this exon. This variant is not present in population databases (gnomAD no frequency). A different variant (c.2443G>A) giving rise to the same protein effect has been determined to be pathogenic (PMID: 25864721, 27164704, 32827528). This suggests that this variant is also likely to be causative of disease. Algorithms developed to predict the effect of missense changes on protein structure and function are either unavailable or do not agree on the potential impact of this missense change (SIFT: "Deleterious"; PolyPhen-2: "Probably Damaging"; Align-GVGD: "Class C0"). Variants that disrupt the consensus splice site are a relatively common cause of aberrant splicing (PMID: 17576681, 9536098). Algorithms developed to predict the effect of sequence changes on RNA splicing suggest that this variant may disrupt the consensus splice site. For these reasons, this variant has been classified as Pathogenic.

Literature cited by the submitters: PubMed 25864721; PubMed 27164704; PubMed 32827528; PubMed 17576681; PubMed 9536098.